The following is an entry in ClinVar:

ClinVar aggregate classification (germline): Pathogenic/Likely pathogenic. Review status: criteria provided, multiple submitters, no conflicts (2 of 4 stars). 2 submissions from 2 submitters: Pathogenic (1); Likely pathogenic (1). Last evaluated 2025-12-11.

Conditions:
SHANK3-related disorder. Also called: SHANK3-related condition.

Submissions (2):

PreventionGenetics, part of Exact Sciences
Classification: Likely pathogenic for SHANK3-related condition. Last evaluated: 2025-12-11. Review status: criteria provided, single submitter. Criteria: ACMG Guidelines, 2015. Collection method: clinical testing. Allele origin: germline.
Comment: The SHANK3 c.5027G>A variant is predicted to result in premature protein termination (p.Trp1676*). To our knowledge, this variant has not been reported in the literature or in a large population database (gnomAD), indicating this variant is rare. Nonsense variants in SHANK3 are expected to be pathogenic. This variant is interpreted as likely pathogenic.

GeneDx
Classification: Pathogenic. Last evaluated: 2019-02-19. Review status: criteria provided, single submitter. Criteria: GeneDx Variant Classification (06012015). Collection method: clinical testing. Allele origin: germline. Affected: yes.
Comment: The W1676X variant in the SHANK3 gene has not been reported previously as a pathogenic variant nor as a benign variant, to our knowledge. This variant is predicted to cause loss of normal protein function through protein truncation. The W1676X variant is not observed in large population cohorts (Lek et al., 2016). We interpret W1676X as a pathogenic variant.

NM_001372044.2(SHANK3):c.5252G>A (p.Trp1751Ter)

Gene: SHANK3 (SH3 and multiple ankyrin repeat domains 3; plus strand). Cytogenetic location: 22q13.33.
Variant type: single nucleotide variant.
Coding change: c.5252G>A on transcript NM_001372044.2 (MANE Select); coding-DNA position 5252, G replaced by A.
Protein change: p.Trp1751Ter; replaces tryptophan 1751 with a stop codon.
Molecular consequence: nonsense.
Genome position (GRCh38, 1-based): chr22:50,731,143, G>A. VCF-style: chr22-50731143-G-A. GRCh37 (hg19) VCF-style: chr22-51169571-G-A.
Other names: c.5027G>A (NM_033517.1); short protein forms W1751*.
Identifiers: ClinVar variation 816970 (VCV000816970.2), dbSNP rs1603447383, ClinGen allele CA515267739.